The following is an entry in ClinVar:

NM_000218.3(KCNQ1):c.197C>A (p.Ser66Tyr)

Gene: KCNQ1 (potassium voltage-gated channel subfamily Q member 1; plus strand). Cytogenetic location: 11p15.5.
Variant type: single nucleotide variant.
Coding change: c.197C>A on transcript NM_000218.3 (MANE Select); coding-DNA position 197, C replaced by A.
Protein change: p.Ser66Tyr; replaces serine 66 with tyrosine.
Molecular consequence: missense variant.
Genome position (GRCh38, 1-based): chr11:2,445,295, C>A. VCF-style: chr11-2445295-C-A. GRCh37 (hg19) VCF-style: chr11-2466525-C-A.
Other names: short protein forms S66Y.
Identifiers: ClinVar variation 933445 (VCV000933445.16), dbSNP rs199473446, ClinGen allele CA379116629.

ClinVar aggregate classification (germline): Uncertain significance. Review status: criteria provided, multiple submitters, no conflicts (2 of 4 stars). 5 submissions from 5 submitters: Uncertain significance (5). Last evaluated 2026-05-04.

Conditions:
Cardiovascular phenotype. Identifiers: MedGen CN230736.
Jervell and Lange-Nielsen syndrome 1 (JLNS1). Also called: PROLONGED QT INTERVAL IN EKG AND SUDDEN DEATH; SURDO-CARDIAC SYNDROME; CARDIOAUDITORY SYNDROME OF JERVELL AND LANGE-NIELSEN; DEAFNESS, CONGENITAL, AND FUNCTIONAL HEART DISEASE. Identifiers: Orphanet 768, Orphanet 90647, MedGen C4551509, MONDO:0024540, OMIM 220400.
Long QT syndrome 1 (LQT1). Identifiers: Orphanet 101016, Orphanet 768, MedGen C4551647, MONDO:0100316, OMIM 192500, MONDO:0008646.
Short QT syndrome type 2. Identifiers: Orphanet 51083, MedGen C1865019, MONDO:0012313, OMIM 609621.
Atrial fibrillation, familial, 3 (ATFB3). Identifiers: MedGen C1837014, MONDO:0011857, OMIM 607554.
Beckwith-Wiedemann syndrome (BWS). Also called: Exomphalos macroglossia gigantism syndrome; EMG SYNDROME. Identifiers: Orphanet 116, MedGen C0004903, MONDO:0007534, OMIM 130650.
Long QT syndrome (LQTS). Identifiers: MedGen C0023976, MeSH D008133, MONDO:0002442. Disease mechanism: loss of function. Inheritance: Various modes of inheritance.

Allele frequency attached by ClinVar (database versions not stated): gnomAD exomes 0.00005; TOPMed 0.00009.
gnomAD v4.1: 17 of 1,400,894 alleles (0.0012%); highest among the groups gnomAD compares: Admixed American, 0.028%; no homozygotes.

Submissions (5):

Women's Health and Genetics/Laboratory Corporation of America, LabCorp
Classification: Uncertain significance. Last evaluated: 2026-05-04. Review status: criteria provided, single submitter. Criteria: LabCorp Variant Classification Summary - May 2015. Collection method: clinical testing. Allele origin: germline.
Comment: Variant summary: KCNQ1 c.197C>A (p.Ser66Tyr) results in a non-conservative amino acid change in the encoded protein sequence. Algorithms developed to predict the effect of missense changes on protein structure and function are either unavailable or do not agree on the potential impact of this missense change. The variant allele was found at a frequency of 5e-05 in 60432 control chromosomes. The available data on variant occurrences in the general population are insufficient to allow any conclusion about variant significance. To our knowledge, no occurrence of c.197C>A in individuals affected with KCNQ1-related conditions and no experimental evidence demonstrating its impact on protein function have been reported. ClinVar contains an entry for this variant (Variation ID: 933445). Based on the evidence outlined above, the variant was classified as uncertain significance.

Labcorp Genetics (formerly Invitae), Labcorp
Classification: Uncertain significance for Long QT syndrome. Last evaluated: 2025-12-01. Review status: criteria provided, single submitter. Criteria: Invitae Variant Classification Sherloc (09022015). Collection method: clinical testing. Allele origin: germline.
Comment: This sequence change replaces serine, which is neutral and polar, with tyrosine, which is neutral and polar, at codon 66 of the KCNQ1 protein (p.Ser66Tyr). This variant is present in population databases (no rsID available, gnomAD 0.03%). This missense change has been observed in individual(s) with clinical features of long QT syndrome (internal data). ClinVar contains an entry for this variant (Variation ID: 933445). Invitae Evidence Modeling of protein sequence and biophysical properties (such as structural, functional, and spatial information, amino acid conservation, physicochemical variation, residue mobility, and thermodynamic stability) has been performed for this missense variant. However, the output from this modeling did not meet the statistical confidence thresholds required to predict the impact of this variant on KCNQ1 protein function. In summary, the available evidence is currently insufficient to determine the role of this variant in disease. Therefore, it has been classified as a Variant of Uncertain Significance.

Ambry Genetics
Classification: Uncertain significance for Cardiovascular phenotype. Last evaluated: 2024-04-09. Review status: criteria provided, single submitter. Criteria: Ambry Variant Classification Scheme 2023. Collection method: clinical testing. Allele origin: germline.
Comment: The p.S66Y variant (also known as c.197C>A), located in coding exon 1 of the KCNQ1 gene, results from a C to A substitution at nucleotide position 197. The serine at codon 66 is replaced by tyrosine, an amino acid with dissimilar properties. This amino acid position is not well conserved in available vertebrate species. In addition, the in silico prediction for this alteration is inconclusive. Based on the available evidence, the clinical significance of this variant remains unclear.

GeneDx
Classification: Uncertain significance. Last evaluated: 2022-11-17. Review status: criteria provided, single submitter. Criteria: GeneDx Variant Classification Process June 2021. Collection method: clinical testing. Allele origin: germline. Affected: yes.
Comment: Has not been previously published as pathogenic or benign to our knowledge; In silico analysis supports that this missense variant does not alter protein structure/function

Fulgent Genetics
Classification: Uncertain significance for Beckwith-Wiedemann syndrome; Long QT syndrome 1; Jervell and Lange-Nielsen syndrome 1; Atrial fibrillation, familial, 3; Short QT syndrome type 2. Last evaluated: 2021-09-22. Review status: criteria provided, single submitter. Criteria: ACMG Guidelines, 2015. Collection method: clinical testing. Allele origin: unknown.